The following is an entry in ClinVar:

NM_001046.3(SLC12A2):c.358G>C (p.Gly120Arg)

Gene: SLC12A2 (solute carrier family 12 member 2; plus strand). Cytogenetic location: 5q23.3.
Variant type: single nucleotide variant.
Coding change: c.358G>C on transcript NM_001046.3 (MANE Select); coding-DNA position 358, G replaced by C.
Protein change: p.Gly120Arg; replaces glycine 120 with arginine.
Molecular consequence: missense variant. On other transcripts: non-coding transcript variant (1).
Genome position (GRCh38, 1-based): chr5:128,084,312, G>C. VCF-style: chr5-128084312-G-C. GRCh37 (hg19) VCF-style: chr5-127420004-G-C.
Other names: c.358G>C, p.Gly120Arg (NM_001256461.2); short protein forms G120R.
Identifiers: ClinVar variation 2150330 (VCV002150330.4), dbSNP rs529205972, ClinGen allele CA3392776.

ClinVar aggregate classification (germline): Uncertain significance (1 of 4 stars; one submission).

gnomAD v4.1: 10 of 1,533,854 alleles (0.00065%); highest among the groups gnomAD compares: African/African-American, 0.0055%; no homozygotes.

Submission:

Labcorp Genetics (formerly Invitae), Labcorp
Classification: Uncertain significance. Last evaluated: 2022-10-19. Review status: criteria provided, single submitter. Criteria: Invitae Variant Classification Sherloc (09022015). Collection method: clinical testing. Allele origin: germline.
Comment: This variant has not been reported in the literature in individuals affected with SLC12A2-related conditions. In summary, the available evidence is currently insufficient to determine the role of this variant in disease. Therefore, it has been classified as a Variant of Uncertain Significance. Advanced modeling of protein sequence and biophysical properties (such as structural, functional, and spatial information, amino acid conservation, physicochemical variation, residue mobility, and thermodynamic stability) performed at Invitae indicates that this missense variant is not expected to disrupt SLC12A2 protein function. This variant is present in population databases (rs529205972, gnomAD 0.01%). This sequence change replaces glycine, which is neutral and non-polar, with arginine, which is basic and polar, at codon 120 of the SLC12A2 protein (p.Gly120Arg).